The following is an entry in ClinVar:

NM_017534.6(MYH2):c.3289C>A (p.Gln1097Lys)

Genes: MYHAS (myosin heavy chain gene cluster antisense RNA; plus strand), MYH2 (myosin heavy chain 2; minus strand). Cytogenetic location: 17p13.1.
Variant type: single nucleotide variant.
Coding change: c.3289C>A on transcript NM_017534.6 (MANE Select); coding-DNA position 3289, C replaced by A.
Protein change: p.Gln1097Lys; replaces glutamine 1097 with lysine.
Molecular consequence: missense variant.
Genome position (GRCh38, 1-based): chr17:10,529,227, G>T on the plus strand (C>A on the coding strand, the complement: MYH2 is on the minus strand). VCF-style: chr17-10529227-G-T. GRCh37 (hg19) VCF-style: chr17-10432544-G-T.
Other names: c.3289C>A, p.Gln1097Lys (NM_001100112.2); short protein forms Q1097K.
Identifiers: ClinVar variation 964626 (VCV000964626.7), dbSNP rs2073393915, ClinGen allele CA398137360.

ClinVar aggregate classification (germline): Uncertain significance (1 of 4 stars; one submission).

Conditions:
Myopathy, proximal, and ophthalmoplegia (CMYO6). Also called: INCLUSION BODY MYOPATHY 3, AUTOSOMAL DOMINANT; CONGENITAL MYOPATHY 6 WITH OPHTHALMOPLEGIA; MYOPATHY WITH CONGENITAL JOINT CONTRACTURES, OPHTHALMOPLEGIA, AND RIMMED VACUOLES. Identifiers: Orphanet 363677, Orphanet 79091, MedGen C1854106, MONDO:0011577, OMIM 605637.

Allele frequency attached by ClinVar (database versions not stated): TOPMed 0.00001.
gnomAD v4.1: 1 of 1,614,192 alleles (0.000062%); no homozygotes.

Submission:

Labcorp Genetics (formerly Invitae), Labcorp
Classification: Uncertain significance for Myopathy, proximal, and ophthalmoplegia. Last evaluated: 2021-06-02. Review status: criteria provided, single submitter. Criteria: Invitae Variant Classification Sherloc (09022015). Collection method: clinical testing. Allele origin: germline.
Comment: In summary, the available evidence is currently insufficient to determine the role of this variant in disease. Therefore, it has been classified as a Variant of Uncertain Significance. Algorithms developed to predict the effect of missense changes on protein structure and function are either unavailable or do not agree on the potential impact of this missense change (SIFT: "Deleterious"; PolyPhen-2: "Benign"; Align-GVGD: "Class C45"). This variant has not been reported in the literature in individuals with MYH2-related conditions. This variant is not present in population databases (ExAC no frequency). This sequence change replaces glutamine with lysine at codon 1097 of the MYH2 protein (p.Gln1097Lys). The glutamine residue is highly conserved and there is a small physicochemical difference between glutamine and lysine.